The following is an entry in ClinVar:

ClinVar aggregate classification (germline): Uncertain significance (1 of 4 stars; one submission).

Conditions:
Psoriasis 2. Identifiers: MedGen C1864497, MONDO:0011269, OMIM 602723.
Pityriasis rubra pilaris (PRP). Also called: Pityriasis rubra pilaris--familial type. Identifiers: Orphanet 2897, MedGen C0032027, MONDO:0100017, OMIM 173200, MONDO:0008251.

Submission:

Labcorp Genetics (formerly Invitae), Labcorp
Classification: Uncertain significance for Pityriasis rubra pilaris; Psoriasis 2. Last evaluated: 2022-12-22. Review status: criteria provided, single submitter. Criteria: Invitae Variant Classification Sherloc (09022015). Collection method: clinical testing. Allele origin: germline.
Comment: In summary, the available evidence is currently insufficient to determine the role of this variant in disease. Therefore, it has been classified as a Variant of Uncertain Significance. Advanced modeling of protein sequence and biophysical properties (such as structural, functional, and spatial information, amino acid conservation, physicochemical variation, residue mobility, and thermodynamic stability) performed at Invitae indicates that this missense variant is not expected to disrupt CARD14 protein function. ClinVar contains an entry for this variant (Variation ID: 1461137). This missense change has been observed in individual(s) with pityriasis rubra pilaris or CARD14-associated papulosquamous eruption (PMID: 27760266, 29477734). This variant is not present in population databases (gnomAD no frequency). This sequence change replaces cysteine, which is neutral and slightly polar, with serine, which is neutral and polar, at codon 127 of the CARD14 protein (p.Cys127Ser).

Literature cited by the submitters: PubMed 27760266; PubMed 29477734.

NM_001366385.1(CARD14):c.379T>A (p.Cys127Ser)

Gene: CARD14 (caspase recruitment domain family member 14; plus strand). Cytogenetic location: 17q25.3.
Variant type: single nucleotide variant.
Coding change: c.379T>A on transcript NM_001366385.1 (MANE Select); coding-DNA position 379, T replaced by A.
Protein change: p.Cys127Ser; replaces cysteine 127 with serine.
Molecular consequence: missense variant. On other transcripts: non-coding transcript variant (1).
Genome position (GRCh38, 1-based): chr17:80,183,942, T>A. VCF-style: chr17-80183942-T-A. GRCh37 (hg19) VCF-style: chr17-78157741-T-A.
Other names: c.379T>A, p.Cys127Ser (NM_001257970.1, NM_024110.4); short protein forms C127S.
Identifiers: ClinVar variation 1461137 (VCV001461137.6), dbSNP rs2144183724, ClinGen allele CA401335743.